The following is an entry in ClinVar:

NM_001374504.1(TMPRSS6):c.1227C>T (p.Tyr409=)

Gene: TMPRSS6 (transmembrane serine protease 6; minus strand). Cytogenetic location: 22q12.3.
Variant type: single nucleotide variant.
Coding change: c.1227C>T on transcript NM_001374504.1 (MANE Select); coding-DNA position 1227, C replaced by T.
Protein change: p.Tyr409=; no amino-acid change (tyrosine 409 retained).
Molecular consequence: synonymous variant.
Genome position (GRCh38, 1-based): chr22:37,075,250, G>A on the plus strand (C>T on the coding strand, the complement: TMPRSS6 is on the minus strand). VCF-style: chr22-37075250-G-A. GRCh37 (hg19) VCF-style: chr22-37471290-G-A.
Other names: p.Tyr418=; c.1227C>T, p.Tyr409= (NM_001289000.2, NM_001289001.2, NM_153609.4).
Identifiers: ClinVar variation 262720 (VCV000262720.19), dbSNP rs881144, ClinGen allele CA10215681.

ClinVar aggregate classification (germline): Benign/Likely benign. Review status: criteria provided, multiple submitters, no conflicts (2 of 4 stars). 7 submissions from 7 submitters: Benign (6); Likely benign (1). Last evaluated 2026-01-27.

Conditions:
Iron-refractory iron deficiency anemia (IRIDA). Also called: ANEMIA, HYPOCHROMIC MICROCYTIC, WITH DEFECT IN IRON METABOLISM; IRON-HANDLING DISORDER, HEREDITARY; PSEUDO-IRON-DEFICIENCY ANEMIA; IRIDA syndrome. Identifiers: Orphanet 209981, MedGen C0085576, MONDO:0008788, OMIM 206200. Disease mechanism: loss of function.
Microcytic anemia. Identifiers: MedGen C5194182, MONDO:0001245, HP:0001935. Disease mechanism: loss of function.

Allele frequency attached by ClinVar (database versions not stated): 1000 Genomes Project 0.04533; 1000 Genomes Project 30x 0.04560; TOPMed 0.07432; ESP Exome Variant Server 0.08696; gnomAD 0.08889.
gnomAD v4.1: 171,995 of 1,613,600 alleles (11%); highest among the groups gnomAD compares: Non-Finnish European, 12%; 10,004 homozygotes.

Submissions (7):

Labcorp Genetics (formerly Invitae), Labcorp
Classification: Benign. Last evaluated: 2026-01-27. Review status: criteria provided, single submitter. Criteria: Invitae Variant Classification Sherloc (09022015). Collection method: clinical testing. Allele origin: germline.

Blueprint Genetics
Classification: Likely benign. Last evaluated: 2024-11-28. Review status: criteria provided, single submitter. Criteria: ACMG Guidelines, 2015. Collection method: clinical testing. Allele origin: germline.

Mayo Clinic Laboratories, Mayo Clinic
Classification: Benign. Last evaluated: 2022-10-21. Review status: criteria provided, single submitter. Criteria: ACMG Guidelines, 2015. Collection method: clinical testing. Allele origin: germline. Observed: 148 variant alleles.

Genome-Nilou Lab
Classification: Benign for Iron-refractory iron deficiency anemia. Last evaluated: 2021-09-10. Review status: criteria provided, single submitter. Criteria: ACMG Guidelines, 2015. Collection method: clinical testing. Allele origin: germline. Affected: no.

Illumina Laboratory Services, Illumina
Classification: Benign for Iron-refractory iron deficiency anemia. Last evaluated: 2018-01-13. Review status: criteria provided, single submitter. Criteria: ICSL Variant Classification Criteria 13 December 2019. Collection method: clinical testing. Allele origin: germline.
Comment: This variant was observed in the ICSL laboratory as part of a predisposition screen in an ostensibly healthy population. It had not been previously curated by ICSL or reported in the Human Gene Mutation Database (HGMD: prior to June 1st, 2018), and was therefore a candidate for classification through an automated scoring system. Utilizing variant allele frequency, disease prevalence and penetrance estimates, and inheritance mode, an automated score was calculated to assess if this variant is too frequent to cause the disease. Based on the score and internal cut-off values, a variant classified as benign is not then subjected to further curation. The score for this variant resulted in a classification of benign for this disease.

Breakthrough Genomics
Classification: Benign. Review status: criteria provided, single submitter. Criteria: ACMG Guidelines, 2015. Collection method: not provided. Allele origin: germline. Inheritance: Autosomal recessive inheritance. Affected: yes.

PreventionGenetics, part of Exact Sciences
Classification: Benign. Review status: criteria provided, single submitter. Criteria: ACMG Guidelines, 2015. Collection method: clinical testing. Allele origin: germline.